The following is an entry in ClinVar:

ClinVar aggregate classification (germline): Uncertain significance (1 of 4 stars; one submission).

Conditions:
Epidermolysis bullosa simplex 3, localized or generalized intermediate, with BP230 deficiency (EBS3). Also called: Epidermolysis bullosa simplex due to BP230 deficiency; Epidermolysis bullosa simplex, autosomal recessive 2. Identifiers: Orphanet 412181, MedGen C3809470, MONDO:0014180, OMIM 615425.
Hereditary sensory and autonomic neuropathy type 6. Also called: HSAN VI; Neuropathy, hereditary sensory and autonomic, type VI. Identifiers: Orphanet 314381, MedGen C3539003, MONDO:0013839, OMIM 614653.

Allele frequency attached by ClinVar (database versions not stated): gnomAD exomes 0.00001 and 0.00003; ExAC 0.00004.
gnomAD v4.1: 6 of 1,614,118 alleles (0.00037%); highest among the groups gnomAD compares: Admixed American, 0.01%; no homozygotes.

Submission:

Labcorp Genetics (formerly Invitae), Labcorp
Classification: Uncertain significance for Epidermolysis bullosa simplex 3, localized or generalized intermediate, with BP230 deficiency; Hereditary sensory and autonomic neuropathy type 6. Last evaluated: 2021-05-31. Review status: criteria provided, single submitter. Criteria: Invitae Variant Classification Sherloc (09022015). Collection method: clinical testing. Allele origin: germline.
Comment: In summary, the available evidence is currently insufficient to determine the role of this variant in disease. Therefore, it has been classified as a Variant of Uncertain Significance. Algorithms developed to predict the effect of missense changes on protein structure and function (SIFT, PolyPhen-2, Align-GVGD) all suggest that this variant is likely to be tolerated, but these predictions have not been confirmed by published functional studies and their clinical significance is uncertain. This variant has not been reported in the literature in individuals with DST-related conditions. This variant is present in population databases (rs761701966, ExAC 0.04%). This sequence change replaces asparagine with aspartic acid at codon 2602 of the DST protein (p.Asn2602Asp). The asparagine residue is weakly conserved and there is a small physicochemical difference between asparagine and aspartic acid.

NM_001723.7(DST):c.7804A>G (p.Asn2602Asp)

Gene: DST (dystonin; minus strand). Cytogenetic location: 6p12.1.
Variant type: single nucleotide variant.
Coding change: c.7804A>G on transcript NM_001723.7 (MANE Plus Clinical); coding-DNA position 7804, A replaced by G.
Protein change: p.Asn2602Asp; replaces asparagine 2602 with aspartic acid.
Molecular consequence: missense variant. On other transcripts: intron variant (10).
Genome position (GRCh38, 1-based): chr6:56,615,663, T>C on the plus strand (A>G on the coding strand, the complement: DST is on the minus strand). VCF-style: chr6-56615663-T-C. GRCh37 (hg19) VCF-style: chr6-56480461-T-C.
Other names: c.4831-1179A>G (NM_001144769.5); c.4930-1179A>G (NM_001374722.1, NM_001374736.1); c.4957-1179A>G (NM_001374734.1); c.4417-1179A>G (NM_001144770.2); c.4297-1179A>G (NM_001374730.1, NM_001386100.1, NM_183380.4 and 1 more transcripts); c.3319-1179A>G (NM_015548.5); short protein forms N2602D.
Identifiers: ClinVar variation 1370814 (VCV001370814.6), dbSNP rs761701966, ClinGen allele CA3869898.